The following is an entry in ClinVar:

NM_001453.3(FOXC1):c.1496G>C (p.Gly499Ala)

Gene: FOXC1 (forkhead box C1; plus strand). Cytogenetic location: 6p25.3.
Variant type: single nucleotide variant.
Coding change: c.1496G>C on transcript NM_001453.3 (MANE Select); coding-DNA position 1496, G replaced by C.
Protein change: p.Gly499Ala; replaces glycine 499 with alanine.
Molecular consequence: missense variant.
Genome position (GRCh38, 1-based): chr6:1,611,941, G>C. VCF-style: chr6-1611941-G-C. GRCh37 (hg19) VCF-style: chr6-1612176-G-C.
Other names: short protein forms G499A.
Identifiers: ClinVar variation 2427943 (VCV002427943.6), dbSNP rs1362278016, ClinGen allele CA362561041.
Genomic context (GRCh38, chr6:1,611,941, plus strand): 5'-GCGGAGACCTGGGCCACTTGGCGAGCGCGGCGGCGGCGGCGGCGGCCGCAGGCTACCCGG[G>C]CCAGCAGCAGAACTTCCACTCGGTGCGGGAGATGTTCGAGTCACAGAGGATCGGCTTGAA-3'
Protein context (NP_001444.2, residues 489-509): AAAAAAAGYP[Gly499Ala]QQQNFHSVRE

ClinVar aggregate classification (germline): Uncertain significance (1 of 4 stars; one submission).

Conditions:
Axenfeld-Rieger syndrome type 3 (RIEG3). Also called: AXENFELD-RIEGER ANOMALY WITH CARDIAC DEFECTS AND/OR SENSORINEURAL HEARING LOSS. Identifiers: Orphanet 782, MedGen C2678503, MONDO:0011233, OMIM 602482.

Allele frequency attached by ClinVar (database versions not stated): TOPMed below 0.00001.
gnomAD v4.1: 2 of 1,585,790 alleles (0.00013%); highest among the groups gnomAD compares: Non-Finnish European, 0.00017%; no homozygotes.

Submission:

Labcorp Genetics (formerly Invitae), Labcorp
Classification: Uncertain significance for Axenfeld-Rieger syndrome type 3. Last evaluated: 2022-10-18. Review status: criteria provided, single submitter. Criteria: Invitae Variant Classification Sherloc (09022015). Collection method: clinical testing. Allele origin: germline.
Comment: In summary, the available evidence is currently insufficient to determine the role of this variant in disease. Therefore, it has been classified as a Variant of Uncertain Significance. Algorithms developed to predict the effect of missense changes on protein structure and function output the following: SIFT: "Tolerated"; PolyPhen-2: "Benign"; Align-GVGD: "Class C0". The alanine amino acid residue is found in multiple mammalian species, which suggests that this missense change does not adversely affect protein function. This sequence change replaces glycine, which is neutral and non-polar, with alanine, which is neutral and non-polar, at codon 499 of the FOXC1 protein (p.Gly499Ala). This variant is not present in population databases (gnomAD no frequency). This variant has not been reported in the literature in individuals affected with FOXC1-related conditions.